The following is an entry in ClinVar:

ClinVar aggregate classification (germline): Uncertain significance (1 of 4 stars; one submission).

Conditions:
EP300-related disorder. Also called: EP300-related condition; EP300-related disorders.

gnomAD v4.1: 2 of 1,613,932 alleles (0.00012%); highest among the groups gnomAD compares: Non-Finnish European, 0.00017%; no homozygotes.

Submission:

PreventionGenetics, part of Exact Sciences
Classification: Uncertain significance for EP300-related condition. Last evaluated: 2025-03-19. Review status: criteria provided, single submitter. Criteria: ACMG Guidelines, 2015. Collection method: clinical testing. Allele origin: germline.
Comment: The EP300 c.6716T>G variant is predicted to result in the amino acid substitution p.Met2239Arg. To our knowledge, this variant has not been reported in the literature. This variant is reported in 0.00088% of alleles in individuals of European (Non-Finnish) descent in gnomAD. At this time, the clinical significance of this variant is uncertain due to the absence of conclusive functional and genetic evidence.

NM_001429.4(EP300):c.6716T>G (p.Met2239Arg)

Gene: EP300 (EP300 lysine acetyltransferase; plus strand). Cytogenetic location: 22q13.2.
Variant type: single nucleotide variant.
Coding change: c.6716T>G on transcript NM_001429.4 (MANE Select); coding-DNA position 6716, T replaced by G.
Protein change: p.Met2239Arg; replaces methionine 2239 with arginine.
Molecular consequence: missense variant.
Genome position (GRCh38, 1-based): chr22:41,178,427, T>G. VCF-style: chr22-41178427-T-G. GRCh37 (hg19) VCF-style: chr22-41574431-T-G.
Other names: c.6638T>G, p.Met2213Arg (NM_001362843.2); short protein forms M2239R, M2213R.
Identifiers: ClinVar variation 4996997 (VCV004996997.1).